The following is an entry in ClinVar:

ClinVar aggregate classification (germline): Uncertain significance (1 of 4 stars; one submission).

Submission:

GeneDx
Classification: Uncertain significance. Last evaluated: 2023-01-24. Review status: criteria provided, single submitter. Criteria: GeneDx Variant Classification Process June 2021. Collection method: clinical testing. Allele origin: germline. Affected: yes.
Comment: Not observed at significant frequency in large population cohorts (gnomAD); In silico analysis supports that this missense variant has a deleterious effect on protein structure/function; Has not been previously published as pathogenic or benign to our knowledge

NM_001348768.2(HECW2):c.3164C>T (p.Pro1055Leu)

Gene: HECW2 (HECT, C2 and WW domain containing E3 ubiquitin protein ligase 2; minus strand). Cytogenetic location: 2q32.3.
Variant type: single nucleotide variant.
Coding change: c.3164C>T on transcript NM_001348768.2 (MANE Select); coding-DNA position 3164, C replaced by T.
Protein change: p.Pro1055Leu; replaces proline 1055 with leucine.
Molecular consequence: missense variant.
Genome position (GRCh38, 1-based): chr2:196,274,095, G>A on the plus strand (C>T on the coding strand, the complement: HECW2 is on the minus strand). VCF-style: chr2-196274095-G-A. GRCh37 (hg19) VCF-style: chr2-197138819-G-A.
Other names: c.2096C>T, p.Pro699Leu (NM_001304840.3); c.3164C>T, p.Pro1055Leu (NM_020760.4); short protein forms P1055L, P699L.
Identifiers: ClinVar variation 2573706 (VCV002573706.1), dbSNP rs2468846178, ClinGen allele CA349952390.
Genomic context (GRCh38, chr2:196,274,095, plus strand): 5'-TCCTGGTACTGTGGCCTACTGACTGTATTGAATGTACTGGATGGCCTGGGAAGAACTGGT[G>A]GTCCTGCATGTCGAGAATCTTCTCCTACCTGCAAACAGAAGCATCATTTATGTTCTGCAC-3'
Protein context (NP_001335697.1, residues 1045-1065): EVGEDSRHAG[Pro1055Leu]PVLPRPSSTF